The following is an entry in ClinVar:

ClinVar aggregate classification (germline): Pathogenic. Review status: criteria provided, multiple submitters, no conflicts (2 of 4 stars). 3 submissions from 3 submitters: Pathogenic (2). 1 of the submissions does not count toward it. Last evaluated 2025-05-15.

Conditions:
Fanconi anemia (FA). Also called: Fanconi's anemia. Identifiers: Orphanet 84, MedGen C0015625, MeSH D005199, MONDO:0019391.
Fanconi anemia complementation group A (FANCA). Also called: FANCA-Related Fanconi Anemia; Fanconi anemia, group A. Identifiers: Orphanet 84, MedGen C3469521, MONDO:0009215, OMIM 227650.

Allele frequency attached by ClinVar (database versions not stated): gnomAD exomes below 0.00001; TOPMed 0.00001.
gnomAD v4.1: 1 of 1,604,826 alleles (0.000062%); highest among the groups gnomAD compares: Non-Finnish European, 0.000085%; no homozygotes.

Submissions (3):

GeneKor MSA
Classification: Pathogenic for Fanconi anemia complementation group A. Last evaluated: 2025-05-15. Review status: criteria provided, single submitter. Criteria: ACMG Guidelines, 2015. Collection method: clinical testing. Allele origin: germline. Affected: no.
Comment: The identified genetic change involves a single nucleotide substitution at position c.3521G>A in the FANCA gene. This alteration results in the creation of a premature stop codon (p.Trp1174*), leading to the production of a truncated and likely non-functional FANCA protein.According to the literature, loss-of-function variants in the FANCA gene are classified as pathogenic (PMID:19367192). This specific variant is not reported in population databases (e.g., gnomAD), supporting its pathogenic nature. Additionally, the variant has been submitted to the ClinVar database (VCV000664975.6), where it is classified as pathogenic. For these reasons, this variant has been classified as Pathogenic.

Labcorp Genetics (formerly Invitae), Labcorp
Classification: Pathogenic for Fanconi anemia. Last evaluated: 2018-09-25. Review status: criteria provided, single submitter. Criteria: Invitae Variant Classification Sherloc (09022015). Collection method: clinical testing. Allele origin: germline.
Comment: For these reasons, this variant has been classified as Pathogenic. Loss-of-function variants in FANCA are known to be pathogenic (PMID: 19367192). This variant has not been reported in the literature in individuals with FANCA-related disease. This variant is not present in population databases (ExAC no frequency). This sequence change creates a premature translational stop signal (p.Trp1174*) in the FANCA gene. It is expected to result in an absent or disrupted protein product.

Molecular Genetics laboratory, Necker Hospital
Classification: Pathogenic. Last evaluated: 2021-12-22. Review status: no assertion criteria provided. Collection method: clinical testing. Allele origin: biparental. Affected: yes. Not counted in ClinVar's aggregate classification.

Literature cited by the submitters: PubMed 19367192 (cited by GeneKor MSA and Labcorp Genetics (formerly Invitae), Labcorp).

NM_000135.4(FANCA):c.3521G>A (p.Trp1174Ter)

Gene: FANCA (FA complementation group A; minus strand). Cytogenetic location: 16q24.3.
Variant type: single nucleotide variant.
Coding change: c.3521G>A on transcript NM_000135.4 (MANE Select); coding-DNA position 3521, G replaced by A.
Protein change: p.Trp1174Ter; replaces tryptophan 1174 with a stop codon.
Molecular consequence: nonsense.
Genome position (GRCh38, 1-based): chr16:89,745,064, C>T on the plus strand (G>A on the coding strand, the complement: FANCA is on the minus strand). VCF-style: chr16-89745064-C-T. GRCh37 (hg19) VCF-style: chr16-89811472-C-T.
Other names: c.3521G>A (LRG_495t1); c.3521G>A, p.Trp1174Ter (NM_001286167.3); short protein forms W1174*.
Identifiers: ClinVar variation 664975 (VCV000664975.8), dbSNP rs1598067532, ClinGen allele CA397485783.